The following is an entry in ClinVar:

NM_007262.5(PARK7):c.317G>A (p.Cys106Tyr)

Gene: PARK7 (Parkinsonism associated deglycase; plus strand). Cytogenetic location: 1p36.23.
Variant type: single nucleotide variant.
Coding change: c.317G>A on transcript NM_007262.5 (MANE Select); coding-DNA position 317, G replaced by A.
Protein change: p.Cys106Tyr; replaces cysteine 106 with tyrosine.
Molecular consequence: missense variant.
Genome position (GRCh38, 1-based): chr1:7,970,958, G>A. VCF-style: chr1-7970958-G-A. GRCh37 (hg19) VCF-style: chr1-8031018-G-A.
Other names: c.317G>A, p.Cys106Tyr (NM_001123377.2); short protein forms C106Y.
Identifiers: ClinVar variation 2684286 (VCV002684286.1), dbSNP rs2527339612, ClinGen allele CA338165487.

ClinVar aggregate classification (germline): Uncertain significance (1 of 4 stars; one submission).

Allele frequency attached by ClinVar (database versions not stated): gnomAD exomes 0.00001.

Submission:

Athena Diagnostics
Classification: Uncertain significance. Last evaluated: 2022-12-09. Review status: criteria provided, single submitter. Criteria: Athena Diagnostics Criteria. Collection method: clinical testing. Allele origin: unknown.
Comment: Available data are insufficient to determine the clinical significance of the variant at this time. This variant has not been reported in large, multi-ethnic general populations. Computational tools predict that this variant is damaging.